The following is an entry in ClinVar:

ClinVar aggregate classification (germline): Conflicting classifications of pathogenicity. Review status: criteria provided, conflicting classifications (1 of 4 stars). 3 submissions from 3 submitters: Uncertain significance (2); Likely benign (1). Last evaluated 2025-12-23.

Conditions:
Inborn genetic diseases. Identifiers: MedGen C0950123, MeSH D030342.
Developmental and epileptic encephalopathy, 24 (DEE24). Also called: Epileptic encephalopathy, early infantile, 24. Identifiers: Orphanet 442835, MedGen C4014531, MONDO:0014377, OMIM 615871.
Early-infantile DEE. Also called: Early infantile epileptic encephalopathy; Early infantile epileptic encephalopathy with suppression bursts; Ohtahara syndrome. Identifiers: Orphanet 1934, MedGen C0393706, MONDO:0800491.

Allele frequency attached by ClinVar (database versions not stated): TOPMed below 0.00001.
gnomAD v4.1: 2 of 1,613,968 alleles (0.00012%); highest among the groups gnomAD compares: Admixed American, 0.0017%; no homozygotes.

Submissions (3):

Ambry Genetics
Classification: Likely benign for Inborn genetic diseases. Last evaluated: 2025-12-23. Review status: criteria provided, single submitter. Criteria: Ambry Variant Classification Scheme 2023. Collection method: clinical testing. Allele origin: germline.

Labcorp Genetics (formerly Invitae), Labcorp
Classification: Uncertain significance for Early-infantile DEE. Last evaluated: 2024-05-08. Review status: criteria provided, single submitter. Criteria: Invitae Variant Classification Sherloc (09022015). Collection method: clinical testing. Allele origin: germline.
Comment: This sequence change replaces threonine, which is neutral and polar, with proline, which is neutral and non-polar, at codon 650 of the HCN1 protein (p.Thr650Pro). This variant is not present in population databases (gnomAD no frequency). This variant has not been reported in the literature in individuals affected with HCN1-related conditions. ClinVar contains an entry for this variant (Variation ID: 1028215). Advanced modeling of protein sequence and biophysical properties (such as structural, functional, and spatial information, amino acid conservation, physicochemical variation, residue mobility, and thermodynamic stability) performed at Invitae indicates that this missense variant is not expected to disrupt HCN1 protein function with a negative predictive value of 95%. In summary, the available evidence is currently insufficient to determine the role of this variant in disease. Therefore, it has been classified as a Variant of Uncertain Significance.

Baylor Genetics
Classification: Uncertain significance for Developmental and epileptic encephalopathy, 24. Last evaluated: 2019-01-02. Review status: criteria provided, single submitter. Criteria: ACMG Guidelines, 2015. Collection method: clinical testing. Allele origin: maternal. Affected: yes.
Comment: This variant was determined to be of uncertain significance according to ACMG Guidelines, 2015 [PMID:25741868].

NM_021072.4(HCN1):c.1948A>C (p.Thr650Pro)

Gene: HCN1 (hyperpolarization activated cyclic nucleotide gated potassium channel 1; minus strand). Cytogenetic location: 5p12.
Variant type: single nucleotide variant.
Coding change: c.1948A>C on transcript NM_021072.4 (MANE Select); coding-DNA position 1948, A replaced by C.
Protein change: p.Thr650Pro; replaces threonine 650 with proline.
Molecular consequence: missense variant.
Genome position (GRCh38, 1-based): chr5:45,262,646, T>G on the plus strand (A>C on the coding strand, the complement: HCN1 is on the minus strand). VCF-style: chr5-45262646-T-G. GRCh37 (hg19) VCF-style: chr5-45262748-T-G.
Other names: short protein forms T650P.
Identifiers: ClinVar variation 1028215 (VCV001028215.4), dbSNP rs776850213, ClinGen allele CA359704357.